The following is an entry in ClinVar:

ClinVar aggregate classification (germline): Uncertain significance (1 of 4 stars; one submission).

Allele frequency attached by ClinVar (database versions not stated): gnomAD exomes 0.00001; TOPMed 0.00001.
gnomAD v4.1: 5 of 1,613,326 alleles (0.00031%); highest among the groups gnomAD compares: Non-Finnish European, 0.00042%; no homozygotes.

Submission:

Labcorp Genetics (formerly Invitae), Labcorp
Classification: Uncertain significance. Last evaluated: 2023-04-22. Review status: criteria provided, single submitter. Criteria: Invitae Variant Classification Sherloc (09022015). Collection method: clinical testing. Allele origin: germline.
Comment: In summary, the available evidence is currently insufficient to determine the role of this variant in disease. Therefore, it has been classified as a Variant of Uncertain Significance. Advanced modeling of protein sequence and biophysical properties (such as structural, functional, and spatial information, amino acid conservation, physicochemical variation, residue mobility, and thermodynamic stability) performed at Invitae indicates that this missense variant is expected to disrupt KCNH1 protein function. ClinVar contains an entry for this variant (Variation ID: 2108151). This variant has not been reported in the literature in individuals affected with KCNH1-related conditions. This variant is not present in population databases (gnomAD no frequency). This sequence change replaces glutamic acid, which is acidic and polar, with glutamine, which is neutral and polar, at codon 81 of the KCNH1 protein (p.Glu81Gln).

NM_172362.3(KCNH1):c.241G>C (p.Glu81Gln)

Gene: KCNH1 (potassium voltage-gated channel subfamily H member 1; minus strand). Cytogenetic location: 1q32.2.
Variant type: single nucleotide variant.
Coding change: c.241G>C on transcript NM_172362.3 (MANE Select); coding-DNA position 241, G replaced by C.
Protein change: p.Glu81Gln; replaces glutamic acid 81 with glutamine.
Molecular consequence: missense variant.
Genome position (GRCh38, 1-based): chr1:211,103,565, C>G on the plus strand (G>C on the coding strand, the complement: KCNH1 is on the minus strand). VCF-style: chr1-211103565-C-G. GRCh37 (hg19) VCF-style: chr1-211276907-C-G.
Other names: c.241G>C, p.Glu81Gln (NM_002238.4); short protein forms E81Q.
Identifiers: ClinVar variation 2108151 (VCV002108151.4), dbSNP rs914370763, ClinGen allele CA37158948.